The following is an entry in ClinVar:

NM_020975.6(RET):c.2445C>G (p.Phe815Leu)

Gene: RET (ret proto-oncogene; plus strand). Cytogenetic location: 10q11.21.
Variant type: single nucleotide variant.
Coding change: c.2445C>G on transcript NM_020975.6 (MANE Select); coding-DNA position 2445, C replaced by G.
Protein change: p.Phe815Leu; replaces phenylalanine 815 with leucine.
Molecular consequence: missense variant.
Genome position (GRCh38, 1-based): chr10:43,119,583, C>G. VCF-style: chr10-43119583-C-G. GRCh37 (hg19) VCF-style: chr10-43615031-C-G.
Other names: c.2445C>G, p.Phe815Leu (NM_000323.2, NM_001406743.1, NM_001406744.1 and 4 more transcripts); c.1683C>G, p.Phe561Leu (NM_001355216.2); c.2316C>G, p.Phe772Leu (NM_001406761.1, NM_001406762.1, NM_001406764.1); c.2310C>G, p.Phe770Leu (NM_001406763.1, NM_001406765.1); c.2157C>G, p.Phe719Leu (NM_001406766.1, NM_001406767.1, NM_001406770.1); c.2181C>G, p.Phe727Leu (NM_001406768.1); c.2049C>G, p.Phe683Leu (NM_001406769.1, NM_001406772.1); c.2007C>G, p.Phe669Leu (NM_001406771.1, NM_001406773.1); and 10 more; short protein forms F332L, F380L, F420L, F471L, F473L, F476L, F485L, F516L.
Identifiers: ClinVar variation 3227528 (VCV003227528.5), dbSNP rs751447014, ClinGen allele CA039275.

ClinVar aggregate classification (germline): Uncertain significance. Review status: criteria provided, multiple submitters, no conflicts (2 of 4 stars). 4 submissions from 4 submitters: Uncertain significance (4). Last evaluated 2025-05-27.

Conditions:
Multiple endocrine neoplasia, type 2 (MEN2). Identifiers: Orphanet 653, MedGen C4048306, MONDO:0019003. Disease mechanism: gain of function.
Hereditary cancer-predisposing syndrome. Also called: Neoplastic Syndromes, Hereditary; Tumor predisposition; Hereditary neoplastic syndrome; Hereditary Cancer Syndrome. Identifiers: Orphanet 140162, MedGen C0027672, MeSH D009386, MONDO:0015356.

Allele frequency attached by ClinVar (database versions not stated): ExAC 0.00001.
gnomAD v4.1: 9 of 1,611,462 alleles (0.00056%); highest among the groups gnomAD compares: South Asian, 0.0099%; no homozygotes.

Submissions (4):

Labcorp Genetics (formerly Invitae), Labcorp
Classification: Uncertain significance for Multiple endocrine neoplasia, type 2. Last evaluated: 2025-05-27. Review status: criteria provided, single submitter. Criteria: Invitae Variant Classification Sherloc (09022015). Collection method: clinical testing. Allele origin: germline.
Comment: This sequence change replaces phenylalanine, which is neutral and non-polar, with leucine, which is neutral and non-polar, at codon 815 of the RET protein (p.Phe815Leu). This variant is present in population databases (rs751447014, gnomAD 0.003%). This variant has not been reported in the literature in individuals affected with RET-related conditions. ClinVar contains an entry for this variant (Variation ID: 3227528). An algorithm developed to predict the effect of missense changes on protein structure and function (PolyPhen-2) suggests that this variant is likely to be disruptive. In summary, the available evidence is currently insufficient to determine the role of this variant in disease. Therefore, it has been classified as a Variant of Uncertain Significance.

All of Us Research Program, National Institutes of Health
Classification: Uncertain significance for Multiple endocrine neoplasia, type 2. Last evaluated: 2024-08-13. Review status: criteria provided, single submitter. Criteria: ACMG Guidelines, 2015. Collection method: clinical testing. Allele origin: germline. Inheritance: Autosomal dominant inheritance. Observed: 1 variant allele, 1 heterozygote.
Comment: This missense variant replaces phenylalanine with leucine at codon 815 of the RET protein. Computational prediction is inconclusive regarding the impact of this variant on protein structure and function (internally defined REVEL score threshold 0.5 < inconclusive < 0.7, PMID: 27666373). To our knowledge, functional studies have not been reported for this variant. This variant has not been reported in individuals affected with RET-related disorders in the literature. This variant has been identified in 1/244190 chromosomes in the general population by the Genome Aggregation Database (gnomAD). The available evidence is insufficient to determine the role of this variant in disease conclusively. Therefore, this variant is classified as a Variant of Uncertain Significance.

This study involves interpretation of variants in research participants for the purpose of population health screening. Participant phenotype was not available at the time of variant classification. Additional details can be found in publication PMID: 35346344, PMCID: PMC8962531

Color Diagnostics, LLC DBA Color Health
Classification: Uncertain significance for Multiple endocrine neoplasia, type 2. Last evaluated: 2024-07-23. Review status: criteria provided, single submitter. Criteria: ACMG Guidelines, 2015. Collection method: clinical testing. Allele origin: germline.
Comment: This missense variant replaces phenylalanine with leucine at codon 815 of the RET protein. Computational prediction is inconclusive regarding the impact of this variant on protein structure and function. To our knowledge, functional studies have not been reported for this variant. This variant has not been reported in individuals affected with RET-related disorders in the literature. This variant has been identified in 1/244190 chromosomes in the general population by the Genome Aggregation Database (gnomAD). The available evidence is insufficient to determine the role of this variant in disease conclusively. Therefore, this variant is classified as a Variant of Uncertain Significance.

Ambry Genetics
Classification: Uncertain significance for Hereditary cancer-predisposing syndrome. Last evaluated: 2023-12-25. Review status: criteria provided, single submitter. Criteria: Ambry Variant Classification Scheme 2023. Collection method: clinical testing. Allele origin: germline.
Comment: The p.F815L variant (also known as c.2445C>G), located in coding exon 14 of the RET gene, results from a C to G substitution at nucleotide position 2445. The phenylalanine at codon 815 is replaced by leucine, an amino acid with highly similar properties. This amino acid position is conserved. In addition, this alteration is predicted to be deleterious by in silico analysis. Since supporting evidence is limited at this time, the clinical significance of this alteration remains unclear.